The following is an entry in ClinVar:

NM_000834.5(GRIN2B):c.3400_3416del (p.Leu1134fs)

Gene: GRIN2B (glutamate ionotropic receptor NMDA type subunit 2B; minus strand). Cytogenetic location: 12p13.1.
Variant type: Deletion.
Coding change: c.3400_3416del on transcript NM_000834.5 (MANE Select); coding-DNA positions 3400 to 3416, 17 bases deleted (CTGGACCAGTTCCGAAC).
Protein change: p.Leu1134fs; shifts the reading frame from leucine 1134.
Molecular consequence: frameshift variant.
Genome position (GRCh38, 1-based): chr12:13,563,822-13,563,838, GTTCGGAACTGGTCCAG deleted on the plus strand (CTGGACCAGTTCCGAAC on the coding strand, the reverse complement: GRIN2B is on the minus strand); deleting any 17 consecutive bases within chr12:13,563,822-13,563,840 gives the same sequence; the c. name uses the placement nearest the transcript's 3' end. VCF-style (leftmost placement, unchanged base first): chr12-13563821-TGTTCGGAACTGGTCCAG-T. GRCh37 (hg19) VCF-style: chr12-13716755-TGTTCGGAACTGGTCCAG-T.
Other names: short protein forms L1134fs.
Identifiers: ClinVar variation 940412 (VCV000940412.8), dbSNP rs1948591247, ClinGen allele CA1139662521.
Genomic context (GRCh38, chr12:13,563,821, plus strand): 5'-ACTCCGCTCCTTGTAGATGTCGGTCAGGTCTACGTGCTCCCAGTGGGGTGAGTTCTCCTT[TGTTCGGAACTGGTCCAG>T]GTAGAAGTCCCGTAGCCCTTCCTTGTCCCTGAAGTAGCGCTTGTGGTCAGGGGAGCGGGG-3'

ClinVar aggregate classification (germline): Uncertain significance (1 of 4 stars; one submission).

Conditions:
Intellectual developmental disorder, autosomal dominant 6, with or without seizures. Also called: Intellectual disability, autosomal dominant 6; GRIN2B-related developmental delay, intellectual disability and autism spectrum disorder. Identifiers: Orphanet 589547, MedGen C3151411, MONDO:0013509, OMIM 613970.
Developmental and epileptic encephalopathy, 27 (DEE27). Also called: Epileptic encephalopathy, early infantile, 27; GRIN2B-Related Neurodevelopmental Disorder. Identifiers: Orphanet 3451, MedGen C4015316, MONDO:0014505, OMIM 616139.

Submission:

Labcorp Genetics (formerly Invitae), Labcorp
Classification: Uncertain significance for Developmental and epileptic encephalopathy, 27; Intellectual developmental disorder, autosomal dominant 6, with or without seizures. Last evaluated: 2024-11-11. Review status: criteria provided, single submitter. Criteria: Invitae Variant Classification Sherloc (09022015). Collection method: clinical testing. Allele origin: germline.
Comment: This sequence change creates a premature translational stop signal (p.Leu1134Lysfs*21) in the GRIN2B gene. While this is not anticipated to result in nonsense mediated decay, it is expected to disrupt the last 351 amino acid(s) of the GRIN2B protein. This variant is not present in population databases (gnomAD no frequency). This variant has not been reported in the literature in individuals affected with GRIN2B-related conditions. ClinVar contains an entry for this variant (Variation ID: 940412). Experimental studies and prediction algorithms are not available or were not evaluated, and the functional significance of this variant is currently unknown. In summary, the available evidence is currently insufficient to determine the role of this variant in disease. Therefore, it has been classified as a Variant of Uncertain Significance.